The following is an entry in ClinVar:

ClinVar aggregate classification (germline): Uncertain significance (1 of 4 stars; one submission).

Allele frequency attached by ClinVar (database versions not stated): gnomAD exomes 0.00001.
gnomAD v4.1: 3 of 1,211,170 alleles (0.00025%); highest among the groups gnomAD compares: Non-Finnish European, 0.00034%; no homozygotes.

Submission:

CeGaT Center for Human Genetics Tuebingen
Classification: Uncertain significance. Last evaluated: 2024-05-01. Review status: criteria provided, single submitter. Criteria: CeGaT Center For Human Genetics Tuebingen Variant Classification Criteria Version 2. Collection method: clinical testing. Allele origin: germline. Affected: yes. Observed: 1 variant allele.
Comment: HS6ST2: PM2, PP3

NM_001394073.1(HS6ST2):c.1619A>G (p.Gln540Arg)

Gene: HS6ST2 (heparan sulfate 6-O-sulfotransferase 2; minus strand). Cytogenetic location: Xq26.2.
Variant type: single nucleotide variant.
Coding change: c.1619A>G on transcript NM_001394073.1 (MANE Select); coding-DNA position 1619, A replaced by G.
Protein change: p.Gln540Arg; replaces glutamine 540 with arginine.
Molecular consequence: missense variant.
Genome position (GRCh38, 1-based): chrX:132,628,542, T>C on the plus strand (A>G on the coding strand, the complement: HS6ST2 is on the minus strand). VCF-style: chrX-132628542-T-C. GRCh37 (hg19) VCF-style: chrX-131762570-T-C.
Other names: c.1499A>G, p.Gln500Arg (NM_147175.4, NM_001394074.1); c.1619A>G, p.Gln540Arg (NM_001077188.2); short protein forms Q500R, Q540R.
Identifiers: ClinVar variation 3239330 (VCV003239330.19), dbSNP rs2523292739.